The following is an entry in ClinVar:

NM_000540.3(RYR1):c.12024G>C (p.Gln4008His)

Gene: RYR1 (ryanodine receptor 1; plus strand). Cytogenetic location: 19q13.2.
Variant type: single nucleotide variant.
Coding change: c.12024G>C on transcript NM_000540.3 (MANE Select); coding-DNA position 12024, G replaced by C.
Protein change: p.Gln4008His; replaces glutamine 4008 with histidine.
Molecular consequence: missense variant.
Genome position (GRCh38, 1-based): chr19:38,546,456, G>C. VCF-style: chr19-38546456-G-C. GRCh37 (hg19) VCF-style: chr19-39037096-G-C.
Other names: c.12009G>C, p.Gln4003His (NM_001042723.2); short protein forms Q4003H, Q4008H.
Identifiers: ClinVar variation 979087 (VCV000979087.3), dbSNP rs1972429144, ClinGen allele CA405663772.
Genomic context (GRCh38, chr19:38,546,456, plus strand): 5'-TGGGGGAGGTGTATGCTGAGACCAGCCCTCACCGAGCTGGGATCTCTAGGACTCAAGCCA[G>C]ATCGAGCTGCTGAAGGAGCTGCTGGATCTGCAGAAGGACATGGTGGTGATGTTGCTGTCG-3'
Protein context (NP_000531.2, residues 3998-4018): MMMKLAQDSS[Gln4008His]IELLKELLDL

ClinVar aggregate classification (germline): Uncertain significance. Review status: criteria provided, multiple submitters, no conflicts (2 of 4 stars). 2 submissions from 2 submitters: Uncertain significance (2). Last evaluated 2024-05-30.

Conditions:
Malignant hyperthermia, susceptibility to, 1 (MHS1). Also called: Anesthesia related hyperthermia; Malignant hyperpyrexia; Fulminating hyperpyrexia; Pharmacogenic myopathy; Malignant hyperthermia suceptibility 1; RYR1-Related Malignant Hyperthermia Susceptibility. Identifiers: Orphanet 423, MedGen C2930980, MONDO:0007783, OMIM 145600.

Allele frequency attached by ClinVar (database versions not stated): gnomAD exomes below 0.00001; TOPMed 0.00001.
gnomAD v4.1: 1 of 1,613,936 alleles (0.000062%); highest among the groups gnomAD compares: Non-Finnish European, 0.000085%; no homozygotes.

Submissions (2):

All of Us Research Program, National Institutes of Health
Classification: Uncertain significance for Malignant hyperthermia, susceptibility to, 1. Last evaluated: 2024-05-30. Review status: criteria provided, single submitter. Criteria: ACMG Guidelines, 2015. Collection method: clinical testing. Allele origin: germline. Inheritance: Autosomal dominant inheritance. Observed: 3 variant alleles, 3 heterozygotes.
Comment: This missense variant replaces glutamine with histidine at codon 4008 of the RYR1 protein. Computational prediction suggests that this variant may not impact protein structure and function (internally defined REVEL score threshold <= 0.5, PMID: 27666373). To our knowledge, functional studies have not been reported for this variant. This variant has not been reported in individuals affected with RYR1-related disorders in the literature. This variant has not been identified in the general population by the Genome Aggregation Database (gnomAD). The available evidence is insufficient to determine the role of this variant in disease conclusively. Therefore, this variant is classified as a Variant of Uncertain Significance.

This study involves interpretation of variants in research participants for the purpose of population health screening. Participant phenotype was not available at the time of variant classification. Additional details can be found in publication PMID: 35346344, PMCID: PMC8962531

Human Genome Sequencing Center Clinical Lab, Baylor College of Medicine
Classification: Uncertain significance for Malignant hyperthermia suceptibility 1. Review status: criteria provided, single submitter. Criteria: ACMG Guidelines, 2015. Collection method: clinical testing. Allele origin: germline.